The following is an entry in ClinVar:

ClinVar aggregate classification (germline): Uncertain significance. Review status: criteria provided, multiple submitters, no conflicts (2 of 4 stars). 2 submissions from 2 submitters: Uncertain significance (2). Last evaluated 2025-01-16.

Conditions:
Hereditary cancer-predisposing syndrome. Also called: Hereditary Cancer Syndrome; Hereditary neoplastic syndrome; Neoplastic Syndromes, Hereditary; Tumor predisposition. Identifiers: Orphanet 140162, MedGen C0027672, MeSH D009386, MONDO:0015356.
Familial cancer of breast. Also called: Hereditary breast cancer; BREAST CANCER, FAMILIAL; hereditary breast carcinoma. Identifiers: Orphanet 227535, MedGen C0346153, MONDO:0016419, OMIM 114480. Disease mechanism: loss of function.

gnomAD v4.1: 2 of 1,592,310 alleles (0.00013%); highest among the groups gnomAD compares: Non-Finnish European, 0.00017%; no homozygotes.

Submissions (2):

Ambry Genetics
Classification: Uncertain significance for Hereditary cancer-predisposing syndrome. Last evaluated: 2025-01-16. Review status: criteria provided, single submitter. Criteria: Ambry Variant Classification Scheme 2023. Collection method: clinical testing. Allele origin: germline.
Comment: The p.G17R variant (also known as c.49G>C), located in coding exon 1 of the BARD1 gene, results from a G to C substitution at nucleotide position 49. The glycine at codon 17 is replaced by arginine, an amino acid with dissimilar properties. This amino acid position is highly conserved in available vertebrate species. In addition, the in silico prediction for this alteration is inconclusive. Based on the available evidence, the clinical significance of this variant remains unclear.

Labcorp Genetics (formerly Invitae), Labcorp
Classification: Uncertain significance for Familial cancer of breast. Last evaluated: 2022-10-19. Review status: criteria provided, single submitter. Criteria: Invitae Variant Classification Sherloc (09022015). Collection method: clinical testing. Allele origin: germline.
Comment: This sequence change replaces glycine, which is neutral and non-polar, with arginine, which is basic and polar, at codon 17 of the BARD1 protein (p.Gly17Arg). This variant is not present in population databases (gnomAD no frequency). This variant has not been reported in the literature in individuals affected with BARD1-related conditions. ClinVar contains an entry for this variant (Variation ID: 216444). Algorithms developed to predict the effect of missense changes on protein structure and function are either unavailable or do not agree on the potential impact of this missense change (SIFT: "Deleterious"; PolyPhen-2: "Probably Damaging"; Align-GVGD: "Class C0"). In summary, the available evidence is currently insufficient to determine the role of this variant in disease. Therefore, it has been classified as a Variant of Uncertain Significance.

NM_000465.4(BARD1):c.49G>C (p.Gly17Arg)

Gene: BARD1 (BRCA1 associated RING domain 1; minus strand). Cytogenetic location: 2q35.
Variant type: single nucleotide variant.
Coding change: c.49G>C on transcript NM_000465.4 (MANE Select); coding-DNA position 49, G replaced by C.
Protein change: p.Gly17Arg; replaces glycine 17 with arginine.
Molecular consequence: missense variant. On other transcripts: non-coding transcript variant (3).
Genome position (GRCh38, 1-based): chr2:214,809,521, C>G on the plus strand (G>C on the coding strand, the complement: BARD1 is on the minus strand). VCF-style: chr2-214809521-C-G. GRCh37 (hg19) VCF-style: chr2-215674245-C-G.
Other names: c.49G>C, p.Gly17Arg (NM_001282543.2, NM_001282545.2, NM_001282548.2 and 1 more transcripts); short protein forms G17R.
Identifiers: ClinVar variation 216444 (VCV000216444.14), dbSNP rs746495820, ClinGen allele CA335997.